The following is an entry in ClinVar:

NM_000135.4(FANCA):c.2134G>A (p.Glu712Lys)

Gene: FANCA (FA complementation group A; minus strand). Cytogenetic location: 16q24.3.
Variant type: single nucleotide variant.
Coding change: c.2134G>A on transcript NM_000135.4 (MANE Select); coding-DNA position 2134, G replaced by A.
Protein change: p.Glu712Lys; replaces glutamic acid 712 with lysine.
Molecular consequence: missense variant.
Genome position (GRCh38, 1-based): chr16:89,771,695, C>T on the plus strand (G>A on the coding strand, the complement: FANCA is on the minus strand). VCF-style: chr16-89771695-C-T. GRCh37 (hg19) VCF-style: chr16-89838103-C-T.
Other names: p.Glu712Lys; c.2134G>A (LRG_495t1); c.2134G>A, p.Glu712Lys (NM_001286167.3); short protein forms E712K.
Identifiers: ClinVar variation 568853 (VCV000568853.9), dbSNP rs774565293, ClinGen allele CA397447977.

ClinVar aggregate classification (germline): Uncertain significance. Review status: criteria provided, multiple submitters, no conflicts (2 of 4 stars). 3 submissions from 3 submitters: Uncertain significance (2). 1 of the submissions does not count toward it. Last evaluated 2022-04-06.

Conditions:
Fanconi anemia (FA). Also called: Fanconi's anemia. Identifiers: Orphanet 84, MedGen C0015625, MeSH D005199, MONDO:0019391.

Allele frequency attached by ClinVar (database versions not stated): gnomAD exomes below 0.00001.
gnomAD v4.1: 3 of 1,614,160 alleles (0.00019%); highest among the groups gnomAD compares: Middle Eastern, 0.017%; no homozygotes.

Submissions (3):

Labcorp Genetics (formerly Invitae), Labcorp
Classification: Uncertain significance for Fanconi anemia. Last evaluated: 2022-04-06. Review status: criteria provided, single submitter. Criteria: Invitae Variant Classification Sherloc (09022015). Collection method: clinical testing. Allele origin: germline.
Comment: This sequence change replaces glutamic acid, which is acidic and polar, with lysine, which is basic and polar, at codon 712 of the FANCA protein (p.Glu712Lys). This variant is present in population databases (no rsID available, gnomAD no frequency). This variant has not been reported in the literature in individuals affected with FANCA-related conditions. ClinVar contains an entry for this variant (Variation ID: 568853). Advanced modeling of protein sequence and biophysical properties (such as structural, functional, and spatial information, amino acid conservation, physicochemical variation, residue mobility, and thermodynamic stability) performed at Invitae indicates that this missense variant is not expected to disrupt FANCA protein function. In summary, the available evidence is currently insufficient to determine the role of this variant in disease. Therefore, it has been classified as a Variant of Uncertain Significance.

Mayo Clinic Laboratories, Mayo Clinic
Classification: Uncertain significance. Last evaluated: 2022-02-07. Review status: criteria provided, single submitter. Criteria: ACMG Guidelines, 2015. Collection method: clinical testing. Allele origin: germline. Observed: 1 variant allele.
Comment: BP4_strong, PM2

Natera, Inc.
Classification: Uncertain significance for Fanconi anemia. Last evaluated: 2020-12-16. Review status: no assertion criteria provided. Collection method: clinical testing. Allele origin: germline. Not counted in ClinVar's aggregate classification.